The following is an entry in ClinVar:

NM_178170.3(NEK8):c.1300-6C>T

Gene: NEK8 (NIMA related kinase 8; plus strand). Cytogenetic location: 17q11.2.
Variant type: single nucleotide variant.
Coding change: c.1300-6C>T on transcript NM_178170.3 (MANE Select); 6 bases into the intron before coding-DNA position 1300, C replaced by T.
Molecular consequence: intron variant.
Genome position (GRCh38, 1-based): chr17:28,739,078, C>T. VCF-style: chr17-28739078-C-T. GRCh37 (hg19) VCF-style: chr17-27066096-C-T.
Identifiers: ClinVar variation 4982992 (VCV004982992.1).

ClinVar aggregate classification (germline): Likely benign (1 of 4 stars; one submission).

Conditions:
NEK8-related disorder. Also called: NEK8-related condition.

Submission:

PreventionGenetics, part of Exact Sciences
Classification: Likely benign for NEK8-related condition. Last evaluated: 2026-04-27. Review status: criteria provided, single submitter. Criteria: ACMG Guidelines, 2015. Collection method: clinical testing. Allele origin: germline.
Comment: This variant is classified as likely benign based on ACMG/AMP sequence variant interpretation guidelines (Richards et al. 2015 PMID: 25741868, with internal and published modifications).